The following is an entry in ClinVar:

ClinVar aggregate classification (germline): Benign. Review status: criteria provided, multiple submitters, no conflicts (2 of 4 stars). 2 submissions from 2 submitters: Benign (2). Last evaluated 2018-01-12.

Conditions:
Congenital hyperammonemia, type I. Also called: CPS I DEFICIENCY; Carbamoyl phosphate synthetase 1 deficiency; Hyperammonemia due to carbamoyl phosphate synthetase 1 deficiency; CPS 1 deficiency; Carbamyl phosphate synthetase (CPS) deficiency; Carbamoyl phosphate synthetase I deficiency disease. Identifiers: Orphanet 147, MedGen C4082171, MONDO:0009376, OMIM 237300.

Allele frequency attached by ClinVar (database versions not stated): gnomAD exomes 0.22703; TOPMed 0.24079; gnomAD 0.24256 and 0.24427; 1000 Genomes Project 30x 0.24516; 1000 Genomes Project 0.24581.
gnomAD v4.1: 37,453 of 152,828 alleles (25%); highest among the groups gnomAD compares: South Asian, 33%; 4,740 homozygotes.

Submissions (2):

Illumina Laboratory Services, Illumina
Classification: Benign for Congenital hyperammonemia, type I. Last evaluated: 2018-01-12. Review status: criteria provided, single submitter. Criteria: ICSL Variant Classification Criteria 13 December 2019. Collection method: clinical testing. Allele origin: germline.
Comment: This variant was observed in the ICSL laboratory as part of a predisposition screen in an ostensibly healthy population. It had not been previously curated by ICSL or reported in the Human Gene Mutation Database (HGMD: prior to June 1st, 2018), and was therefore a candidate for classification through an automated scoring system. Utilizing variant allele frequency, disease prevalence and penetrance estimates, and inheritance mode, an automated score was calculated to assess if this variant is too frequent to cause the disease. Based on the score and internal cut-off values, a variant classified as benign is not then subjected to further curation. The score for this variant resulted in a classification of benign for this disease.

Breakthrough Genomics
Classification: Benign. Review status: criteria provided, single submitter. Criteria: ACMG Guidelines, 2015. Collection method: not provided. Allele origin: germline. Inheritance: Autosomal recessive inheritance. Affected: yes.

NM_001875.5(CPS1):c.*692C>G

Gene: CPS1 (carbamoyl-phosphate synthase 1; plus strand). Cytogenetic location: 2q34.
Variant type: single nucleotide variant.
Coding change: c.*692C>G on transcript NM_001875.5 (MANE Select); 692 bases downstream of the stop codon, C replaced by G.
Molecular consequence: 3 prime UTR variant. On other transcripts: non-coding transcript variant (2).
Genome position (GRCh38, 1-based): chr2:210,678,677, C>G. VCF-style: chr2-210678677-C-G. GRCh37 (hg19) VCF-style: chr2-211543401-C-G.
Other names: c.*692C>G (LRG_336t1, NM_001122633.3, NM_001369256.1 and 1 more transcripts).
Identifiers: ClinVar variation 334046 (VCV000334046.6), dbSNP rs12476133, ClinGen allele CA10612755.